The following is an entry in ClinVar:

NM_014855.3(AP5Z1):c.1378G>T (p.Ala460Ser)

Gene: AP5Z1 (adaptor related protein complex 5 subunit zeta 1; plus strand). Cytogenetic location: 7p22.1.
Variant type: single nucleotide variant.
Coding change: c.1378G>T on transcript NM_014855.3 (MANE Select); coding-DNA position 1378, G replaced by T.
Protein change: p.Ala460Ser; replaces alanine 460 with serine.
Molecular consequence: missense variant. On other transcripts: non-coding transcript variant (1).
Genome position (GRCh38, 1-based): chr7:4,787,700, G>T. VCF-style: chr7-4787700-G-T. GRCh37 (hg19) VCF-style: chr7-4827331-G-T.
Other names: c.910G>T, p.Ala304Ser (NM_001364858.1); c.1378G>T (NM_014855.2); short protein forms A460S, A304S.
Identifiers: ClinVar variation 2152428 (VCV002152428.5), dbSNP rs371881628, ClinGen allele CA4137780.

ClinVar aggregate classification (germline): Uncertain significance. Review status: criteria provided, multiple submitters, no conflicts (2 of 4 stars). 2 submissions from 2 submitters: Uncertain significance (2). Last evaluated 2024-10-15.

Conditions:
Hereditary spastic paraplegia 48. Also called: Spastic paraplegia 48; SPASTIC PARAPLEGIA 48, AUTOSOMAL RECESSIVE. Identifiers: Orphanet 306511, MedGen C3150901, MONDO:0013342, OMIM 613647.
Inborn genetic diseases. Identifiers: MedGen C0950123, MeSH D030342.

Allele frequency attached by ClinVar (database versions not stated): 1000 Genomes Project 30x 0.00016; 1000 Genomes Project 0.00020.
gnomAD v4.1: 66 of 1,551,614 alleles (0.0043%); highest among the groups gnomAD compares: South Asian, 0.072%; no homozygotes.

Submissions (2):

Labcorp Genetics (formerly Invitae), Labcorp
Classification: Uncertain significance for Hereditary spastic paraplegia 48. Last evaluated: 2024-10-15. Review status: criteria provided, single submitter. Criteria: Invitae Variant Classification Sherloc (09022015). Collection method: clinical testing. Allele origin: germline.
Comment: This sequence change replaces alanine, which is neutral and non-polar, with serine, which is neutral and polar, at codon 460 of the AP5Z1 protein (p.Ala460Ser). This variant is present in population databases (rs371881628, gnomAD 0.09%). This variant has not been reported in the literature in individuals affected with AP5Z1-related conditions. ClinVar contains an entry for this variant (Variation ID: 2152428). Invitae Evidence Modeling of protein sequence and biophysical properties (such as structural, functional, and spatial information, amino acid conservation, physicochemical variation, residue mobility, and thermodynamic stability) indicates that this missense variant is not expected to disrupt AP5Z1 protein function with a negative predictive value of 80%. In summary, the available evidence is currently insufficient to determine the role of this variant in disease. Therefore, it has been classified as a Variant of Uncertain Significance.

Ambry Genetics
Classification: Uncertain significance for Inborn genetic diseases. Last evaluated: 2021-08-12. Review status: criteria provided, single submitter. Criteria: Ambry Variant Classification Scheme 2023. Collection method: clinical testing. Allele origin: germline.